The following is an entry in ClinVar:

NM_173660.5(DOK7):c.1403G>A (p.Gly468Asp)

Gene: DOK7 (docking protein 7; plus strand). Cytogenetic location: 4p16.3.
Variant type: single nucleotide variant.
Coding change: c.1403G>A on transcript NM_173660.5 (MANE Select); coding-DNA position 1403, G replaced by A.
Protein change: p.Gly468Asp; replaces glycine 468 with aspartic acid.
Molecular consequence: missense variant. On other transcripts: 3 prime UTR variant (1).
Genome position (GRCh38, 1-based): chr4:3,493,389, G>A. VCF-style: chr4-3493389-G-A. GRCh37 (hg19) VCF-style: chr4-3495116-G-A.
Other names: c.*624G>A (NM_001164673.2); c.473G>A, p.Gly158Asp (NM_001256896.2); c.1403G>A, p.Gly468Asp (NM_001301071.2); c.971G>A, p.Gly324Asp (NM_001363811.2); short protein forms G468D, G324D, G158D.
Identifiers: ClinVar variation 465677 (VCV000465677.15), dbSNP rs767909551, ClinGen allele CA2829505.

ClinVar aggregate classification (germline): Uncertain significance. Review status: criteria provided, multiple submitters, no conflicts (2 of 4 stars). 5 submissions from 5 submitters: Uncertain significance (5). Last evaluated 2025-01-17.

Conditions:
Inborn genetic diseases. Identifiers: MedGen C0950123, MeSH D030342.
Fetal akinesia deformation sequence 1 (FADS1). Also called: Fetal akinesia sequence; Pena-Shokeir syndrome type I. Identifiers: Orphanet 994, MedGen C1276035, MONDO:0100101, OMIM 208150, HP:0001989.
Congenital myasthenic syndrome 10. Also called: Myasthenia, limb-girdle, familial. Identifiers: Orphanet 590, MedGen C1850792, MONDO:0009690, OMIM 254300.

Allele frequency attached by ClinVar (database versions not stated): gnomAD exomes 0.00006; TOPMed 0.00006; gnomAD 0.00008 and 0.00009; ExAC 0.00010.
gnomAD v4.1: 105 of 1,594,730 alleles (0.0066%); highest among the groups gnomAD compares: Non-Finnish European, 0.0086%; no homozygotes.

Submissions (5):

Ambry Genetics
Classification: Uncertain significance for Inborn genetic diseases. Last evaluated: 2025-01-17. Review status: criteria provided, single submitter. Criteria: Ambry Variant Classification Scheme 2023. Collection method: clinical testing. Allele origin: germline.

Labcorp Genetics (formerly Invitae), Labcorp
Classification: Uncertain significance for Congenital myasthenic syndrome 10; Fetal akinesia deformation sequence 1. Last evaluated: 2024-10-09. Review status: criteria provided, single submitter. Criteria: Invitae Variant Classification Sherloc (09022015). Collection method: clinical testing. Allele origin: germline.
Comment: This sequence change replaces glycine, which is neutral and non-polar, with aspartic acid, which is acidic and polar, at codon 468 of the DOK7 protein (p.Gly468Asp). This variant is present in population databases (rs767909551, gnomAD 0.01%). This variant has not been reported in the literature in individuals affected with DOK7-related conditions. ClinVar contains an entry for this variant (Variation ID: 465677). Invitae Evidence Modeling of protein sequence and biophysical properties (such as structural, functional, and spatial information, amino acid conservation, physicochemical variation, residue mobility, and thermodynamic stability) indicates that this missense variant is not expected to disrupt DOK7 protein function with a negative predictive value of 80%. In summary, the available evidence is currently insufficient to determine the role of this variant in disease. Therefore, it has been classified as a Variant of Uncertain Significance.

GeneDx
Classification: Uncertain significance. Last evaluated: 2022-08-10. Review status: criteria provided, single submitter. Criteria: GeneDx Variant Classification Process June 2021. Collection method: clinical testing. Allele origin: germline. Affected: yes.
Comment: Not observed at significant frequency in large population cohorts (gnomAD); In silico analysis supports that this missense variant does not alter protein structure/function; Has not been previously published as pathogenic or benign to our knowledge

Revvity Omics, Revvity
Classification: Uncertain significance. Last evaluated: 2019-09-25. Review status: criteria provided, single submitter. Criteria: ACMG Guidelines, 2015. Collection method: clinical testing. Allele origin: germline.

Eurofins Ntd Llc (ga)
Classification: Uncertain significance. Last evaluated: 2017-01-06. Review status: criteria provided, single submitter. Criteria: EGL Classification Definitions 2015. Collection method: clinical testing. Allele origin: germline. Observed: 1 variant allele, 1 heterozygote.